The following is an entry in ClinVar:

ClinVar aggregate classification (germline): Uncertain significance (1 of 4 stars; one submission).

Conditions:
F5-related disorder. Also called: F5-related condition.

Allele frequency attached by ClinVar (database versions not stated): gnomAD 0.00002; TOPMed 0.00003; ExAC 0.00005; gnomAD exomes 0.00005; ESP Exome Variant Server 0.00008.
gnomAD v4.1: 72 of 1,614,040 alleles (0.0045%); highest among the groups gnomAD compares: Non-Finnish European, 0.0055%; no homozygotes.

Submission:

PreventionGenetics, part of Exact Sciences
Classification: Uncertain significance for F5-related condition. Last evaluated: 2023-02-20. Review status: criteria provided, single submitter. Criteria: ACMG Guidelines, 2015. Collection method: clinical testing. Allele origin: germline.
Comment: The F5 c.2315T>C variant is predicted to result in the amino acid substitution p.Ile772Thr. To our knowledge, this variant has not been reported in the literature. This variant is reported in 0.012% of alleles in individuals of African descent in gnomAD. This variant falls within a highly paralogous region. Allele frequency data should be interpreted with caution. At this time, the clinical significance of this variant is uncertain due to the absence of conclusive functional and genetic evidence.

NM_000130.5(F5):c.2315T>C (p.Ile772Thr)

Gene: F5 (coagulation factor V; minus strand). Cytogenetic location: 1q24.2.
Variant type: single nucleotide variant.
Coding change: c.2315T>C on transcript NM_000130.5 (MANE Select); coding-DNA position 2315, T replaced by C.
Protein change: p.Ile772Thr; replaces isoleucine 772 with threonine.
Molecular consequence: missense variant.
Genome position (GRCh38, 1-based): chr1:169,542,775, A>G on the plus strand (T>C on the coding strand, the complement: F5 is on the minus strand). VCF-style: chr1-169542775-A-G. GRCh37 (hg19) VCF-style: chr1-169512013-A-G.
Other names: short protein forms I772T.
Identifiers: ClinVar variation 2634612 (VCV002634612.1), dbSNP rs373473212, ClinGen allele CA1234104.
Genomic context (GRCh38, chr1:169,542,775, plus strand): 5'-GCAAGGTTATTGACAGTGAACTTACTAATATTACTTGGGGAAGAATAATTTGAACCAACA[A>G]TTATATCTGTGTTTGAAGAAACGAATTCAGTGCCATTCTCCAGAGCTAGGGCAGTAAGAT-3'
Protein context (NP_000121.2, residues 762-782): TEFVSSNTDI[Ile772Thr]VGSNYSSPSN